The following is an entry in ClinVar:

NM_001365536.1(SCN9A):c.4612G>A (p.Gly1538Ser)

Genes: SCN1A-AS1 (SCN1A and SCN9A antisense RNA 1; plus strand), SCN9A (sodium voltage-gated channel alpha subunit 9; minus strand). Cytogenetic location: 2q24.3.
Variant type: single nucleotide variant.
Coding change: c.4612G>A on transcript NM_001365536.1 (MANE Select); coding-DNA position 4612, G replaced by A.
Protein change: p.Gly1538Ser; replaces glycine 1538 with serine.
Molecular consequence: missense variant.
Genome position (GRCh38, 1-based): chr2:166,204,117, C>T on the plus strand (G>A on the coding strand, the complement: SCN9A is on the minus strand). VCF-style: chr2-166204117-C-T. GRCh37 (hg19) VCF-style: chr2-167060627-C-T.
Other names: c.4579G>A, p.Gly1527Ser (NM_002977.4); short protein forms G1527S, G1538S.
Identifiers: ClinVar variation 1957023 (VCV001957023.5), dbSNP rs1454301443, ClinGen allele CA349057694.

ClinVar aggregate classification (germline): Uncertain significance (1 of 4 stars; one submission).

Conditions:
Generalized epilepsy with febrile seizures plus, type 7 (GEFSP7). Also called: GEFS+, TYPE 7. Identifiers: Orphanet 36387, MedGen C2751778, MONDO:0013470, OMIM 613863.
Neuropathy, hereditary sensory and autonomic, type 2A (HSAN2A). Also called: WNK1-Related HSAN2 (HSAN2A); ACROOSTEOLYSIS, GIACCAI TYPE; ACROOSTEOLYSIS, NEUROGENIC; HSAN IIA; MORVAN DISEASE; NEUROPATHY, CONGENITAL SENSORY. Identifiers: Orphanet 970, MedGen C2752089, MONDO:0024309, OMIM 201300.

Allele frequency attached by ClinVar (database versions not stated): gnomAD exomes below 0.00001; gnomAD 0.00001; TOPMed 0.00001.
gnomAD v4.1: 3 of 1,612,468 alleles (0.00019%); highest among the groups gnomAD compares: Non-Finnish European, 0.00025%; no homozygotes.

Submission:

Labcorp Genetics (formerly Invitae), Labcorp
Classification: Uncertain significance for Neuropathy, hereditary sensory and autonomic, type 2A; Generalized epilepsy with febrile seizures plus, type 7. Last evaluated: 2022-07-21. Review status: criteria provided, single submitter. Criteria: Invitae Variant Classification Sherloc (09022015). Collection method: clinical testing. Allele origin: germline.
Comment: In summary, the available evidence is currently insufficient to determine the role of this variant in disease. Therefore, it has been classified as a Variant of Uncertain Significance. Algorithms developed to predict the effect of missense changes on protein structure and function (SIFT, PolyPhen-2, Align-GVGD) all suggest that this variant is likely to be tolerated. This variant has not been reported in the literature in individuals affected with SCN9A-related conditions. This variant is not present in population databases (gnomAD no frequency). This sequence change replaces glycine, which is neutral and non-polar, with serine, which is neutral and polar, at codon 1527 of the SCN9A protein (p.Gly1527Ser).